The following is an entry in ClinVar:

ClinVar aggregate classification (germline): Uncertain significance (1 of 4 stars; one submission).

Allele frequency attached by ClinVar (database versions not stated): 1000 Genomes Project 30x 0.00016; ExAC 0.00018; gnomAD exomes 0.00018 and 0.00033; 1000 Genomes Project 0.00020; ESP Exome Variant Server 0.00023; gnomAD 0.00027 and 0.00029; TOPMed 0.00039.
gnomAD v4.1: 515 of 1,614,190 alleles (0.032%); highest among the groups gnomAD compares: Middle Eastern, 0.082%; no homozygotes.

Submission:

Labcorp Genetics (formerly Invitae), Labcorp
Classification: Uncertain significance. Last evaluated: 2024-04-30. Review status: criteria provided, single submitter. Criteria: Invitae Variant Classification Sherloc (09022015). Collection method: clinical testing. Allele origin: germline.
Comment: This sequence change replaces leucine, which is neutral and non-polar, with phenylalanine, which is neutral and non-polar, at codon 139 of the TRAPPC3 protein (p.Leu139Phe). This variant is present in population databases (rs141225393, gnomAD 0.04%). This variant has not been reported in the literature in individuals affected with TRAPPC3-related conditions. ClinVar contains an entry for this variant (Variation ID: 1417400). Experimental studies and prediction algorithms are not available or were not evaluated, and the functional significance of this variant is currently unknown. In summary, the available evidence is currently insufficient to determine the role of this variant in disease. Therefore, it has been classified as a Variant of Uncertain Significance.

NM_014408.5(TRAPPC3):c.393G>T (p.Leu131Phe)

Gene: TRAPPC3 (trafficking protein particle complex subunit 3; minus strand). Cytogenetic location: 1p34.3.
Variant type: single nucleotide variant.
Coding change: c.393G>T on transcript NM_014408.5 (MANE Select); coding-DNA position 393, G replaced by T.
Protein change: p.Leu131Phe; replaces leucine 131 with phenylalanine.
Molecular consequence: missense variant. On other transcripts: non-coding transcript variant (1).
Genome position (GRCh38, 1-based): chr1:36,137,826, C>A on the plus strand (G>T on the coding strand, the complement: TRAPPC3 is on the minus strand). VCF-style: chr1-36137826-C-A. GRCh37 (hg19) VCF-style: chr1-36603427-C-A.
Other names: c.195G>T, p.Leu65Phe (NM_001270897.2); c.417G>T, p.Leu139Phe (NM_001270894.2); c.255G>T, p.Leu85Phe (NM_001270895.2, NM_001270896.2); short protein forms L131F, L139F, L85F, L65F.
Identifiers: ClinVar variation 1417400 (VCV001417400.8), dbSNP rs141225393, ClinGen allele CA765264.
Genomic context (GRCh38, chr1:36,137,826, plus strand): 5'-GTGTCCCAGAAGATAAAGAGTTGCACTCACCATCTCCAAAGCTCCCCGCAACACCCCACA[C>A]AAGAGATTGGAATAAATAAGGGATGAGTGGTTATCAGGAAGTTCCACAAAGTCCACCAAG-3'
Protein context (NP_055223.1, residues 121-141): NHSSLIYSNL[Leu131Phe]CGVLRGALEM